The following is an entry in ClinVar:

ClinVar aggregate classification (germline): Likely benign. Review status: criteria provided, multiple submitters, no conflicts (2 of 4 stars). 2 submissions from 2 submitters: Likely benign (2). Last evaluated 2023-12-13.

Conditions:
Aneurysm-osteoarthritis syndrome. Also called: SMAD3-Related Loeys-Dietz Syndrome; ANEURYSMS-OSTEOARTHRITIS SYNDROME; Loeys-Dietz syndrome, type 1C; LOEYS-DIETZ SYNDROME WITH OSTEOARTHRITIS. Identifiers: Orphanet 284984, MedGen C3151087, MONDO:0013426, OMIM 613795.
Familial thoracic aortic aneurysm and aortic dissection (TAAD). Also called: Thoracic aortic aneurysms and dissections. Identifiers: Orphanet 91387, MedGen C4707243, MONDO:0019625.

Submissions (2):

All of Us Research Program, National Institutes of Health
Classification: Likely benign for Aneurysm-osteoarthritis syndrome. Last evaluated: 2023-12-13. Review status: criteria provided, single submitter. Criteria: ACMG Guidelines, 2015. Collection method: clinical testing. Allele origin: germline. Inheritance: Autosomal dominant inheritance. Observed: 2 variant alleles, 2 heterozygotes.
Comment: This study involves interpretation of variants in research participants for the purpose of population health screening. Participant phenotype was not available at the time of variant classification. Additional details can be found in publication PMID: 35346344, PMCID: PMC8962531

Labcorp Genetics (formerly Invitae), Labcorp
Classification: Likely benign for Familial thoracic aortic aneurysm and aortic dissection. Last evaluated: 2018-12-28. Review status: criteria provided, single submitter. Criteria: Invitae Variant Classification Sherloc (09022015). Collection method: clinical testing. Allele origin: germline.

NM_005902.4(SMAD3):c.608-7del

Gene: SMAD3 (SMAD family member 3; plus strand). Cytogenetic location: 15q22.33.
Variant type: Deletion.
Coding change: c.608-7del on transcript NM_005902.4 (MANE Select); 7 bases into the intron before coding-DNA position 608, one base deleted (C; older notation c.608-7delC).
Molecular consequence: intron variant.
Genome position (GRCh38, 1-based): chr15:67,170,547, C deleted; the last of 2 consecutive C bases (chr15:67,170,546-67,170,547); deleting either gives the same sequence. VCF-style (leftmost placement, unchanged base first): chr15-67170545-AC-A. GRCh37 (hg19) VCF-style: chr15-67462883-AC-A.
Other names: c.476-7del (NM_001145103.2); c.23-7del (NM_001145104.2); c.293-7del (NM_001145102.2).
Identifiers: ClinVar variation 706856 (VCV000706856.10), dbSNP rs1595947013, ClinGen allele CA915946041.
Genomic context (GRCh38, chr15:67,170,545, plus strand): 5'-GTGTTTAGTAACTTGGCTCTCCAGGCCAAGAATCTTTTGTGAAGTCTCACAACTTGTCTC[AC>A]CTCGCAGGTTCTCCAAACCTATCCCCGAATCCGATGTCCCCAGCACATAATAACTTGGGT-3'